The following is an entry in ClinVar:

NM_004655.4(AXIN2):c.1198G>C (p.Glu400Gln)

Gene: AXIN2 (axin 2; minus strand). Cytogenetic location: 17q24.1.
Variant type: single nucleotide variant.
Coding change: c.1198G>C on transcript NM_004655.4 (MANE Select); coding-DNA position 1198, G replaced by C.
Protein change: p.Glu400Gln; replaces glutamic acid 400 with glutamine.
Molecular consequence: missense variant.
Genome position (GRCh38, 1-based): chr17:65,538,205, C>G on the plus strand (G>C on the coding strand, the complement: AXIN2 is on the minus strand). VCF-style: chr17-65538205-C-G. GRCh37 (hg19) VCF-style: chr17-63534323-C-G.
Other names: c.1198G>C (LRG_296t1); c.1198G>C, p.Glu400Gln (NM_001363813.1); short protein forms E400Q.
Identifiers: ClinVar variation 464523 (VCV000464523.15), dbSNP rs989632217, ClinGen allele CA293098919.
Genomic context (GRCh38, chr17:65,538,205, plus strand): 5'-ACACATACGAGCGCTCACGCCGTGGACGGAAGCAGGAAGAAGGCCTAGGCCGCATTACCT[C>G]TCGGATCTGCTGCAGGCGCTCCTCCAGGCTGTGGCGGCTCTCCAACTCCAGCTTCAGCTT-3'
Protein context (NP_004646.3, residues 390-410): SLEERLQQIR[Glu400Gln]DEEREGSELT

ClinVar aggregate classification (germline): Uncertain significance. Review status: criteria provided, multiple submitters, no conflicts (2 of 4 stars). 5 submissions from 5 submitters: Uncertain significance (5). Last evaluated 2026-02-06.

Conditions:
Hereditary cancer-predisposing syndrome. Also called: Neoplastic Syndromes, Hereditary; Tumor predisposition; Hereditary Cancer Syndrome; Hereditary neoplastic syndrome. Identifiers: Orphanet 140162, MedGen C0027672, MeSH D009386, MONDO:0015356.
Oligodontia-cancer predisposition syndrome. Also called: TOOTH AGENESIS-COLORECTAL CANCER SYNDROME. Identifiers: Orphanet 300576, MedGen C1837750, MONDO:0012075, OMIM 608615. Disease mechanism: loss of function.

Allele frequency attached by ClinVar (database versions not stated): gnomAD 0.00001 and 0.00002; TOPMed 0.00001; gnomAD exomes 0.00002 and 0.00003.
gnomAD v4.1: 42 of 1,614,124 alleles (0.0026%); highest among the groups gnomAD compares: Non-Finnish European, 0.0036%; no homozygotes.

Submissions (5):

Victorian Clinical Genetics Services, Murdoch Childrens Research Institute
Classification: Uncertain significance for Oligodontia-cancer predisposition syndrome. Last evaluated: 2026-02-06. Review status: criteria provided, single submitter. Criteria: ACMG Guidelines, 2015. Collection method: clinical testing. Allele origin: germline. Affected: yes.
Comment: This variant is classified as VUS-3B. Evidence in support of pathogenic classification: Variant is present in gnomAD <0.001 for a dominant condition (v4: 42 heterozygote(s), 0 homozygote(s)). Additional information: Variant is predicted to result in a missense amino acid change from Glu to Gln; This variant is heterozygous; This gene is associated with autosomal dominant disease; Alternative amino acid change(s) at the same position are present in gnomAD (highest allele count: v4: 8 heterozygote(s), 0 homozygote(s)). - Previous evidence of pathogenicity for this variant is inconclusive. This variant has been classified as VUS by clinical laboratories in ClinVar; No published evidence of segregation with disease has been identified for this variant; No published functional evidence has been identified for this variant; Other missense variants comparable to the one identified in this case have inconclusive previous evidence for pathogenicity. The p.(Glu400Lys) and p.(Glu400Asp) variants have all been classified as VUS by clinical laboratories in ClinVar; Variant is not located in an established domain, motif, hotspot or informative constraint region; Missense variant with inconclusive in silico prediction and/or uninformative conservation; Loss of function is a known mechanism of disease in this gene and is associated with oligodontia-colorectal cancer syndrome (MIM#608615); Inheritance information for this variant is not currently available in this individual.

Labcorp Genetics (formerly Invitae), Labcorp
Classification: Uncertain significance for Oligodontia-cancer predisposition syndrome. Last evaluated: 2025-11-18. Review status: criteria provided, single submitter. Criteria: Invitae Variant Classification Sherloc (09022015). Collection method: clinical testing. Allele origin: germline.
Comment: This sequence change replaces glutamic acid, which is acidic and polar, with glutamine, which is neutral and polar, at codon 400 of the AXIN2 protein (p.Glu400Gln). This variant is present in population databases (no rsID available, gnomAD 0.004%). This variant has not been reported in the literature in individuals affected with AXIN2-related conditions. ClinVar contains an entry for this variant (Variation ID: 464523). An algorithm developed to predict the effect of missense changes on protein structure and function (PolyPhen-2) suggests that this variant is likely to be disruptive. In summary, the available evidence is currently insufficient to determine the role of this variant in disease. Therefore, it has been classified as a Variant of Uncertain Significance.

Molecular Pathology, Peter Maccallum Cancer Centre
Classification: Uncertain significance for Oligodontia-cancer predisposition syndrome. Last evaluated: 2025-06-12. Review status: criteria provided, single submitter. Criteria: ACMG Guidelines, 2015. Collection method: clinical testing. Allele origin: germline. Inheritance: Autosomal dominant inheritance.

Ambry Genetics
Classification: Uncertain significance for Hereditary cancer-predisposing syndrome. Last evaluated: 2024-11-15. Review status: criteria provided, single submitter. Criteria: Ambry Variant Classification Scheme 2023. Collection method: clinical testing. Allele origin: germline.
Comment: The p.E400Q variant (also known as c.1198G>C), located in coding exon 4 of the AXIN2 gene, results from a G to C substitution at nucleotide position 1198. The glutamic acid at codon 400 is replaced by glutamine, an amino acid with highly similar properties. This amino acid position is well conserved in available vertebrate species. In addition, the in silico prediction for this alteration is inconclusive. Since supporting evidence is limited at this time, the clinical significance of this alteration remains unclear.

Quest Diagnostics Nichols Institute San Juan Capistrano
Classification: Uncertain significance. Last evaluated: 2024-03-15. Review status: criteria provided, single submitter. Criteria: Quest Diagnostics criteria. Collection method: clinical testing. Allele origin: unknown.
Comment: The AXIN2 c.1198G>C (p.Glu400Gln) variant has been reported in the published literature in the somatic state in a prostate cancer biopsy (PMID: 31874108 (2020)). The frequency of this variant in the general population, 0.000035 (4/112938 chromosomes (Genome Aggregation Database)), is uninformative in the assessment of its pathogenicity. Analysis of this variant using bioinformatics tools for the prediction of the effect of amino acid changes on protein structure and function yielded predictions that this variant is benign. Based on the available information, we are unable to determine the clinical significance of this variant.

Literature cited by the submitters: PubMed 31874108 (cited by Quest Diagnostics Nichols Institute San Juan Capistrano).